The following is an entry in ClinVar:

ClinVar aggregate classification (germline): Pathogenic (3 of 4 stars; one submission).

Conditions:
Breast-ovarian cancer, familial, susceptibility to, 2 (BROVCA2). Also called: BRCA2 Hereditary Breast and Ovarian Cancer. Identifiers: Orphanet 145, MedGen C2675520, MONDO:0012933, OMIM 612555. Disease mechanism: loss of function.

Submission:

Evidence-based Network for the Interpretation of Germline Mutant Alleles (ENIGMA)
Classification: Pathogenic for Breast-ovarian cancer, familial, susceptibility to, 2. Last evaluated: 2017-12-15. Review status: reviewed by expert panel. Criteria: ENIGMA BRCA1/2 Classification Criteria (2017-06-29). Collection method: curation. Allele origin: germline. Study: ENIGMA.
Comment: Variant allele predicted to encode a truncated non-functional protein.

NM_000059.4(BRCA2):c.739_740insAG (p.Ile247fs)

Gene: BRCA2 (BRCA2 DNA repair associated; plus strand). Cytogenetic location: 13q13.1.
Variant type: Insertion.
Coding change: c.739_740insAG on transcript NM_000059.4 (MANE Select); coding-DNA positions 739 to 740, AG inserted.
Protein change: p.Ile247fs; shifts the reading frame from isoleucine 247.
Molecular consequence: frameshift variant.
Genome position: GRCh38 VCF-style: chr13-32330976-A-AAG. GRCh37 (hg19) VCF-style: chr13-32905113-A-AAG.
Other names: short protein forms I247fs.
Identifiers: ClinVar variation 548355 (VCV000548355.1), dbSNP rs1555281465, ClinGen allele CA658823653.